The following is an entry in ClinVar:

ClinVar aggregate classification (germline): Uncertain significance (1 of 4 stars; one submission).

Conditions:
Bardet-Biedl syndrome (BBS). Identifiers: Orphanet 110, MedGen C0752166, MONDO:0015229.

Submission:

Labcorp Genetics (formerly Invitae), Labcorp
Classification: Uncertain significance for Bardet-Biedl syndrome. Last evaluated: 2026-01-21. Review status: criteria provided, single submitter. Criteria: Invitae Variant Classification Sherloc (09022015). Collection method: clinical testing. Allele origin: germline.
Comment: This sequence change replaces alanine, which is neutral and non-polar, with threonine, which is neutral and polar, at codon 237 of the BBS10 protein (p.Ala237Thr). This variant is not present in population databases (gnomAD no frequency). This variant has not been reported in the literature in individuals affected with BBS10-related conditions. Invitae Evidence Modeling of protein sequence and biophysical properties (such as structural, functional, and spatial information, amino acid conservation, physicochemical variation, residue mobility, and thermodynamic stability) indicates that this missense variant is not expected to disrupt BBS10 protein function with a negative predictive value of 80%. In summary, the available evidence is currently insufficient to determine the role of this variant in disease. Therefore, it has been classified as a Variant of Uncertain Significance.

NM_024685.4(BBS10):c.709G>A (p.Ala237Thr)

Gene: BBS10 (Bardet-Biedl syndrome 10; minus strand). Cytogenetic location: 12q21.2.
Variant type: single nucleotide variant.
Coding change: c.709G>A on transcript NM_024685.4 (MANE Select); coding-DNA position 709, G replaced by A.
Protein change: p.Ala237Thr; replaces alanine 237 with threonine.
Molecular consequence: missense variant.
Genome position (GRCh38, 1-based): chr12:76,347,276, C>T on the plus strand (G>A on the coding strand, the complement: BBS10 is on the minus strand). VCF-style: chr12-76347276-C-T. GRCh37 (hg19) VCF-style: chr12-76741056-C-T.
Other names: short protein forms A237T.
Identifiers: ClinVar variation 4707522 (VCV004707522.1).